The following is an entry in ClinVar:

NM_001242896.3(DEPDC5):c.3898G>A (p.Ala1300Thr)

Gene: DEPDC5 (DEP domain containing 5, GATOR1 subcomplex subunit; plus strand). Cytogenetic location: 22q12.3.
Variant type: single nucleotide variant.
Coding change: c.3898G>A on transcript NM_001242896.3 (MANE Select); coding-DNA position 3898, G replaced by A.
Protein change: p.Ala1300Thr; replaces alanine 1300 with threonine.
Molecular consequence: missense variant. On other transcripts: non-coding transcript variant (5).
Genome position (GRCh38, 1-based): chr22:31,879,617, G>A. VCF-style: chr22-31879617-G-A. GRCh37 (hg19) VCF-style: chr22-32275603-G-A.
Other names: c.3871G>A, p.Ala1291Thr (NM_001136029.4); c.3598G>A, p.Ala1200Thr (NM_001242897.2); c.3832G>A, p.Ala1278Thr (NM_001363852.2, NM_001364320.2); c.3664G>A, p.Ala1222Thr (NM_001363854.2, NM_001364319.2); c.3898G>A, p.Ala1300Thr (NM_001364318.2); c.3814G>A, p.Ala1272Thr (NM_001369901.1, NM_001369902.1); c.3805G>A, p.Ala1269Thr (NM_001369903.1, NM_014662.6); short protein forms A1200T, A1222T, A1269T, A1272T, A1278T, A1291T, A1300T.
Identifiers: ClinVar variation 1022222 (VCV001022222.8), dbSNP rs1395522861, ClinGen allele CA411282204.
Genomic context (GRCh38, chr22:31,879,617, plus strand): 5'-ACAGCAGGAGTGGACGACTTCGCCAGCTTCCAGCGCAAGTGGTTTGAGGTGGCCTTTGTG[G>A]CAGAAGAGCTCGTGCACTCTGAGATTCCTGCCTTTCTCCTGCCCTGGCTGCCTAGCCGGC-3'
Protein context (NP_001229825.1, residues 1290-1310): QRKWFEVAFV[Ala1300Thr]EELVHSEIPA

ClinVar aggregate classification (germline): Uncertain significance (1 of 4 stars; one submission).

Conditions:
Familial focal epilepsy with variable foci (FPEVF). Identifiers: Orphanet 98820, MedGen C1858477, MONDO:0020310.

Submission:

Labcorp Genetics (formerly Invitae), Labcorp
Classification: Uncertain significance for Familial focal epilepsy with variable foci. Last evaluated: 2020-11-11. Review status: criteria provided, single submitter. Criteria: Invitae Variant Classification Sherloc (09022015). Collection method: clinical testing. Allele origin: germline.
Comment: In summary, the available evidence is currently insufficient to determine the role of this variant in disease. Therefore, it has been classified as a Variant of Uncertain Significance. This sequence change replaces alanine with threonine at codon 1300 of the DEPDC5 protein (p.Ala1300Thr). The alanine residue is moderately conserved and there is a small physicochemical difference between alanine and threonine. This variant is not present in population databases (ExAC no frequency). This variant has not been reported in the literature in individuals with DEPDC5-related conditions. Algorithms developed to predict the effect of missense changes on protein structure and function are either unavailable or do not agree on the potential impact of this missense change (SIFT: "Tolerated"; PolyPhen-2: "Not Available"; Align-GVGD: "Class C0").